The following is an entry in ClinVar:

ClinVar aggregate classification (germline): Uncertain significance (1 of 4 stars; one submission).

Allele frequency attached by ClinVar (database versions not stated): gnomAD 0.00001; TOPMed 0.00002; ExAC 0.00003; ESP Exome Variant Server 0.00008.
gnomAD v4.1: 3 of 1,586,514 alleles (0.00019%); highest among the groups gnomAD compares: African/African-American, 0.0027%; no homozygotes.

Submission:

Labcorp Genetics (formerly Invitae), Labcorp
Classification: Uncertain significance. Last evaluated: 2021-09-01. Review status: criteria provided, single submitter. Criteria: Invitae Variant Classification Sherloc (09022015). Collection method: clinical testing. Allele origin: germline.
Comment: This sequence change replaces leucine with valine at codon 167 of the SKIV2L protein (p.Leu167Val). The leucine residue is weakly conserved and there is a small physicochemical difference between leucine and valine. This variant is present in population databases (rs141207263, ExAC 0.03%). This variant has not been reported in the literature in individuals affected with SKIV2L-related conditions. Algorithms developed to predict the effect of missense changes on protein structure and function (SIFT, PolyPhen-2, Align-GVGD) all suggest that this variant is likely to be tolerated. In summary, the available evidence is currently insufficient to determine the role of this variant in disease. Therefore, it has been classified as a Variant of Uncertain Significance.

NM_006929.5(SKIC2):c.499C>G (p.Leu167Val)

Gene: SKIC2 (SKI2 subunit of superkiller complex; plus strand). Cytogenetic location: 6p21.33.
Variant type: single nucleotide variant.
Coding change: c.499C>G on transcript NM_006929.5 (MANE Select); coding-DNA position 499, C replaced by G.
Protein change: p.Leu167Val; replaces leucine 167 with valine.
Molecular consequence: missense variant.
Genome position (GRCh38, 1-based): chr6:31,960,695, C>G. VCF-style: chr6-31960695-C-G. GRCh37 (hg19) VCF-style: chr6-31928472-C-G.
Other names: short protein forms L167V.
Identifiers: ClinVar variation 1494324 (VCV001494324.5), dbSNP rs141207263, ClinGen allele CA3729178.